The following is an entry in ClinVar:

NM_000256.3(MYBPC3):c.2953AAG[1] (p.Lys986del)

Gene: MYBPC3 (myosin binding protein C3; minus strand). Cytogenetic location: 11p11.2.
Variant type: Microsatellite.
Coding change: c.2953AAG[1] on transcript NM_000256.3 (MANE Select); one copy of the 3-base unit AAG starting at c.2953; the reference has two copies in a row; one copy, 3 bases deleted; also written c.2956_2958del.
Protein change: p.Lys986del; deletes lysine 986.
Molecular consequence: inframe deletion.
Genome position (GRCh38, 1-based): chr11:47,333,958-47,333,960, CTT deleted on the plus strand (AAG on the coding strand, the reverse complement: MYBPC3 is on the minus strand); deleting any 3 consecutive bases within chr11:47,333,958-47,333,965 gives the same sequence; the position shown is the placement nearest the transcript's 3' end. VCF-style (leftmost placement, unchanged base first): chr11-47333957-CCTT-C. GRCh37 (hg19) VCF-style: chr11-47355508-CCTT-C.
Other names: c.2956_2958del (NM_000256.3); c.2956_2958delAAG (NM_000256.3); short protein forms K986del.
Identifiers: ClinVar variation 837627 (VCV000837627.10), dbSNP rs2095879930, ClinGen allele CA916081638.

ClinVar aggregate classification (germline): Uncertain significance. Review status: criteria provided, multiple submitters, no conflicts (2 of 4 stars). 2 submissions from 2 submitters: Uncertain significance (2). Last evaluated 2025-06-03.

Conditions:
Hypertrophic cardiomyopathy. Also called: HYPERTROPHIC MYOCARDIOPATHY. Identifiers: Orphanet 217569, MedGen C0007194, MeSH D002312, MONDO:0005045, HP:0001639.

Submissions (2):

Women's Health and Genetics/Laboratory Corporation of America, LabCorp
Classification: Uncertain significance. Last evaluated: 2025-06-03. Review status: criteria provided, single submitter. Criteria: LabCorp Variant Classification Summary - May 2015. Collection method: clinical testing. Allele origin: germline.
Comment: Variant summary: MYBPC3 c.2956_2958delAAG (p.Lys986del) results in an in-frame deletion that is predicted to remove one amino acid from the encoded protein. The variant was absent in 200708 control chromosomes. The available data on variant occurrences in the general population are insufficient to allow any conclusion about variant significance. To our knowledge, no occurrence of c.2956_2958delAAG in individuals affected with Cardiomyopathy and no experimental evidence demonstrating its impact on protein function have been reported. ClinVar contains an entry for this variant (Variation ID: 837627). Based on the evidence outlined above, the variant was classified as uncertain significance.

Labcorp Genetics (formerly Invitae), Labcorp
Classification: Uncertain significance for Hypertrophic cardiomyopathy. Last evaluated: 2019-12-18. Review status: criteria provided, single submitter. Criteria: Invitae Variant Classification Sherloc (09022015). Collection method: clinical testing. Allele origin: germline.
Comment: This variant, c.2956_2958del, results in the deletion of 1 amino acid(s) of the MYBPC3 protein (p.Lys986del), but otherwise preserves the integrity of the reading frame. This variant is not present in population databases (ExAC no frequency). This variant has not been reported in the literature in individuals with MYBPC3-related conditions. Experimental studies and prediction algorithms are not available or were not evaluated, and the functional significance of this variant is currently unknown. Algorithms developed to predict the effect of sequence changes on RNA splicing suggest that this variant may create or strengthen a splice site, but this prediction has not been confirmed by published transcriptional studies. In summary, the available evidence is currently insufficient to determine the role of this variant in disease. Therefore, it has been classified as a Variant of Uncertain Significance.